The following is an entry in ClinVar:

ClinVar aggregate classification (germline): Likely pathogenic. Review status: criteria provided, single submitter (1 of 4 stars). 2 submissions from 2 submitters: Likely pathogenic (1). 1 of the submissions does not count toward it. Last evaluated 2025-09-24.

Conditions:
Mucopolysaccharidosis, MPS-III-C (MPS3C). Also called: MPS IIIC (Sanfilippo Syndrome Type C); MPS III C; MUCOPOLYSACCHARIDOSIS, TYPE IIIC; SANFILIPPO SYNDROME C; Mucopolysaccharidosis type IIIC (Sanfilippo C); mucopolysaccharidosis type 3C. Identifiers: Orphanet 581, Orphanet 79271, MedGen C0086649, MONDO:0009657, OMIM 252930.

Submissions (2):

Natera, Inc.
Classification: Likely pathogenic for Mucopolysaccharidosis type IIIC. Last evaluated: 2025-09-24. Review status: criteria provided, single submitter. Criteria: Natera Variant Classification Schema (03/2026). Collection method: clinical testing. Allele origin: germline.
Comment: The c.9_10insCG variant in HGSNAT is a frameshift variant predicted to shift the reading frame beginning at codon 4 and leads to a stop codon 16 codons downstream. This variant is expected to result in nonsense mediated decay, truncation, or a dysfunctional protein product. This variant is rare in the general population with a frequency below the threshold expected for the associated phenotype(s). Given the available evidence, this variant is classified as Likely Pathogenic.

Counsyl
Classification: Likely pathogenic for Mucopolysaccharidosis, MPS-III-C. Last evaluated: 2018-06-06. Review status: no assertion criteria provided. Collection method: clinical testing. Allele origin: unknown. Not counted in ClinVar's aggregate classification.

NM_152419.3(HGSNAT):c.9_10insCG (p.Ala4fs)

Genes: HGSNAT (heparan-alpha-glucosaminide N-acetyltransferase; plus strand), LOC130000316 (ATAC-STARR-seq lymphoblastoid silent region 19164; plus strand). Cytogenetic location: 8p11.21.
Variant type: Insertion.
Coding change: c.9_10insCG on transcript NM_152419.3 (MANE Select); coding-DNA positions 9 to 10, CG inserted.
Protein change: p.Ala4fs; shifts the reading frame from alanine 4.
Molecular consequence: frameshift variant. On other transcripts: 5 prime UTR variant (1).
Genome position: GRCh38 VCF-style: chr8-43140504-G-GGC. GRCh37 (hg19) VCF-style: chr8-42995647-G-GGC.
Other names: c.9_10insCG, p.Ala4fs (NM_001363227.2, NM_001363228.2); c.-825_-824insCG (NM_001363229.2); short protein forms A4fs.
Identifiers: ClinVar variation 558679 (VCV000558679.3), dbSNP rs1554526454, ClinGen allele CA658822597.
Genomic context (GRCh38, chr8:43,140,504, plus strand): 5'-AGCGCAGGGCGGGGCGCAGCGGGCAGGCAAGGGCGGCCGAGCGGGCGGCGGGCATGAGCG[G>GGC]GGCGGGCAGGGCGCTGGCCGCGCTGCTGCTGGCCGCGTCCGTGCTGAGCGCCGCGCTGCT-3'